The following is an entry in ClinVar:

NM_001267550.2(TTN):c.43633dup (p.Gln14545fs)

Gene: TTN (titin; minus strand). Cytogenetic location: 2q31.2.
Variant type: Duplication.
Coding change: c.43633dup on transcript NM_001267550.2 (MANE Select); coding-DNA position 43633, one base duplicated (C; older notation c.43633dupC).
Protein change: p.Gln14545fs; shifts the reading frame from glutamine 14545.
Molecular consequence: frameshift variant.
Genome position (GRCh38, 1-based): chr2:178,632,261, G duplicated on the plus strand (C on the coding strand, the reverse complement: TTN is on the minus strand). VCF-style (leftmost placement, unchanged base first): chr2-178632260-T-TG. GRCh37 (hg19) VCF-style: chr2-179496987-T-TG.
Other names: c.38710dupC (NM_001256850.1); c.38710dup, p.Gln12904fs (NM_001256850.1); c.16438dup, p.Gln5480fs (NM_003319.4); c.35929dup, p.Gln11977fs (NM_133378.4); c.16813dup, p.Gln5605fs (NM_133432.3); c.17014dup, p.Gln5672fs (NM_133437.4); short protein forms Q5480fs, Q11977fs, Q12904fs, Q14545fs, Q5605fs, Q5672fs.
Identifiers: ClinVar variation 202441 (VCV000202441.1), dbSNP rs794729315, ClinGen allele CA309400.

ClinVar aggregate classification (germline): Uncertain significance (1 of 4 stars; one submission).

Submission:

GeneDx
Classification: Uncertain significance. Last evaluated: 2013-10-14. Review status: criteria provided, single submitter. Criteria: GeneDx Variant Classification (06012015). Collection method: clinical testing. Allele origin: germline. Affected: yes.
Comment: The c.38710dupC variant in the TTN gene has not been reported previously as a disease-causing mutation or as a benign polymorphism to our knowledge. This variant was not observed in approximately 6,000 individuals of European and African American ancestry in the NHLBI Exome Sequencing Project, indicating it is not a common benign variant in these populations. The c.38710dupC variant causes a shift in reading frame starting at codon Glutamine 12904, changing it to a Proline, and creating a premature stop codon at position 17 of the new reading frame, denoted p.Gln12904ProfsX17. This variant is expected to result in either an abnormal, truncated protein product or loss of protein from this allele through nonsense-mediated mRNA decay. However, c.38710dupC is not located in the A-band region of titin, where the majority of truncating mutations associated with DCM have been reported (Herman D et al., 2012). Other truncating TTN variants have been reported in approximately 3% of control alleles (Herman D et al., 2012). With the clinical and molecular information available at this time, we cannot definitively determine if c.38710dupC is a disease-causing mutation or a rare benign variant. The variant is found in DCM panel(s).